The following is an entry in ClinVar:

NM_007294.4(BRCA1):c.3487A>G (p.Thr1163Ala)

Genes: BRCA1 (BRCA1 DNA repair associated; minus strand), LOC126862571 (BRD4-independent group 4 enhancer GRCh37_chr17:41243136-41244335; plus strand). Cytogenetic location: 17q21.31.
Variant type: single nucleotide variant.
Coding change: c.3487A>G on transcript NM_007294.4 (MANE Select); coding-DNA position 3487, A replaced by G.
Protein change: p.Thr1163Ala; replaces threonine 1163 with alanine.
Molecular consequence: missense variant. On other transcripts: intron variant (135).
Genome position (GRCh38, 1-based): chr17:43,092,044, T>C on the plus strand (A>G on the coding strand, the complement: BRCA1 is on the minus strand). VCF-style: chr17-43092044-T-C. GRCh37 (hg19) VCF-style: chr17-41244061-T-C.
Other names: c.665-1012A>G (NM_001408440.1, NM_001408428.1, NM_001408436.1 and 12 more transcripts); c.3478A>G, p.Thr1160Ala (NM_001407647.1, NM_001407646.1); c.788-1012A>G (NM_001407978.1, NM_001407981.1, NM_007298.4 and 17 more transcripts); c.3364A>G, p.Thr1122Ala (NM_001407648.1, NM_001407664.1, NM_001407665.1 and 19 more transcripts); c.671-1012A>G (NM_001408418.1, NM_001408423.1, NM_001408420.1 and 2 more transcripts); c.3361A>G, p.Thr1121Ala (NM_001407649.1, NM_001407670.1, NM_001407671.1 and 11 more transcripts); c.3487A>G, p.Thr1163Ala (NM_001407652.1, NM_007300.4, NM_001407581.1 and 30 more transcripts); c.3409A>G, p.Thr1137Ala (NM_001407653.1, NM_001407654.1, NM_001407655.1 and 4 more transcripts); and 41 more; short protein forms T1163A, T1116A, T1035A, T1036A, T1051A, T1052A, T1121A, T867A.
Identifiers: ClinVar variation 479235 (VCV000479235.17), dbSNP rs769456095, ClinGen allele CA057835.

ClinVar aggregate classification (germline): Conflicting classifications of pathogenicity. Review status: criteria provided, conflicting classifications (1 of 4 stars). 3 submissions from 3 submitters: Uncertain significance (2); Likely benign (1). Last evaluated 2024-03-09.

Conditions:
Hereditary breast ovarian cancer syndrome. Also called: Hereditary breast and ovarian cancer syndrome (HBOC); Hereditary breast and ovarian cancer syndrome; Breast and ovarian cancer; BRCA1- and BRCA2-Associated Hereditary Breast and Ovarian Cancer; Hereditary breast and ovarian cancer; Hereditary breast and/or ovarian cancer syndrome. Identifiers: Orphanet 145, MedGen C0677776, MeSH D061325, MONDO:0003582. Disease mechanism: loss of function.
Hereditary cancer-predisposing syndrome. Also called: Neoplastic Syndromes, Hereditary; Hereditary Cancer Syndrome; Hereditary neoplastic syndrome; Tumor predisposition. Identifiers: Orphanet 140162, MedGen C0027672, MeSH D009386, MONDO:0015356.

Allele frequency attached by ClinVar (database versions not stated): gnomAD exomes below 0.00001; ExAC 0.00001.
gnomAD v4.1: 8 of 1,614,084 alleles (0.0005%); highest among the groups gnomAD compares: South Asian, 0.0011%; no homozygotes.

Submissions (3):

Labcorp Genetics (formerly Invitae), Labcorp
Classification: Uncertain significance for Hereditary breast ovarian cancer syndrome. Last evaluated: 2024-03-09. Review status: criteria provided, single submitter. Criteria: Invitae Variant Classification Sherloc (09022015). Collection method: clinical testing. Allele origin: germline.
Comment: This sequence change replaces threonine, which is neutral and polar, with alanine, which is neutral and non-polar, at codon 1163 of the BRCA1 protein (p.Thr1163Ala). This variant is present in population databases (rs769456095, gnomAD 0.003%). This variant has not been reported in the literature in individuals affected with BRCA1-related conditions. ClinVar contains an entry for this variant (Variation ID: 479235). Advanced modeling of protein sequence and biophysical properties (such as structural, functional, and spatial information, amino acid conservation, physicochemical variation, residue mobility, and thermodynamic stability) performed at Invitae indicates that this missense variant is not expected to disrupt BRCA1 protein function with a negative predictive value of 95%. In summary, the available evidence is currently insufficient to determine the role of this variant in disease. Therefore, it has been classified as a Variant of Uncertain Significance.

University of Washington Department of Laboratory Medicine, University of Washington
Classification: Likely benign for Hereditary cancer-predisposing syndrome. Last evaluated: 2023-03-23. Review status: criteria provided, single submitter. Criteria: Dines et al. (Genet Med. 2020). Collection method: curation. Allele origin: germline.
Comment: Missense variant in a coldspot region where missense variants are very unlikely to be pathogenic (PMID:31911673).

BRCA1 coldspot (exon 11 using historical exon numbering). Reclassification based on statistical prior probability

Ambry Genetics
Classification: Uncertain significance for Hereditary cancer-predisposing syndrome. Last evaluated: 2021-07-22. Review status: criteria provided, single submitter. Criteria: Ambry Variant Classification Scheme 2023. Collection method: clinical testing. Allele origin: germline.
Comment: The p.T1163A variant (also known as c.3487A>G), located in coding exon 9 of the BRCA1 gene, results from an A to G substitution at nucleotide position 3487. The threonine at codon 1163 is replaced by alanine, an amino acid with similar properties. This amino acid position is not well conserved in available vertebrate species. In addition, this alteration is predicted to be tolerated by in silico analysis. Since supporting evidence is limited at this time, the clinical significance of this alteration remains unclear.

Literature cited by the submitters: PubMed 12402341 (cited by Ambry Genetics).